The following is an entry in ClinVar:

NM_017777.4(MKS1):c.1273+39C>T

Gene: MKS1 (MKS transition zone complex subunit 1; minus strand). Cytogenetic location: 17q22.
Variant type: single nucleotide variant.
Coding change: c.1273+39C>T on transcript NM_017777.4 (MANE Select); 39 bases into the intron after coding-DNA position 1273, C replaced by T.
Molecular consequence: intron variant.
Genome position (GRCh38, 1-based): chr17:58,207,855, G>A on the plus strand (C>T on the coding strand, the complement: MKS1 is on the minus strand). VCF-style: chr17-58207855-G-A. GRCh37 (hg19) VCF-style: chr17-56285216-G-A.
Other names: c.664+39C>T (NM_001321268.2); c.1273+39C>T (NM_001330397.2, NM_001321269.2).
Identifiers: ClinVar variation 260881 (VCV000260881.4), dbSNP rs117007334, ClinGen allele CA8669207.

ClinVar aggregate classification (germline): Likely benign. Review status: criteria provided, multiple submitters, no conflicts (2 of 4 stars). 2 submissions from 2 submitters: Likely benign (2). Last evaluated 2026-07-01.

Allele frequency attached by ClinVar (database versions not stated): 1000 Genomes Project 30x 0.00078; 1000 Genomes Project 0.00080; gnomAD 0.00108 and 0.00112; TOPMed 0.00114; ExAC 0.00135; gnomAD exomes 0.00143; ESP Exome Variant Server 0.00183.
gnomAD v4.1: 1,796 of 1,540,370 alleles (0.12%); highest among the groups gnomAD compares: Middle Eastern, 0.66%; 10 homozygotes.

Submissions (2):

CeGaT Center for Human Genetics Tuebingen
Classification: Likely benign. Last evaluated: 2026-07-01. Review status: criteria provided, single submitter. Criteria: CeGaT Center For Human Genetics Tuebingen Variant Classification Criteria Version 2. Collection method: clinical testing. Allele origin: germline. Affected: yes. Observed: 2 variant alleles.
Comment: MKS1: BP4, BP7

PreventionGenetics, part of Exact Sciences
Classification: Likely benign. Review status: criteria provided, single submitter. Criteria: ACMG Guidelines, 2015. Collection method: clinical testing. Allele origin: germline.